The following is an entry in ClinVar:

ClinVar aggregate classification (germline): Benign/Likely benign. Review status: criteria provided, multiple submitters, no conflicts (2 of 4 stars). 8 submissions from 8 submitters: Benign (1); Likely benign (7). Last evaluated 2026-01-01.

Conditions:
Cardiac arrhythmia. Also called: Cardiac rhythm disease; Arrhythmia. Identifiers: MedGen C0003811, MONDO:0007263, HP:0011675.
Long QT syndrome (LQTS). Identifiers: MedGen C0023976, MeSH D008133, MONDO:0002442. Disease mechanism: loss of function. Inheritance: Various modes of inheritance.
Cardiovascular phenotype. Identifiers: MedGen CN230736.

Allele frequency attached by ClinVar (database versions not stated): gnomAD 0.00003; TOPMed 0.00009; gnomAD exomes 0.00010; ExAC 0.00013; ESP Exome Variant Server 0.00015.
gnomAD v4.1: 87 of 1,611,252 alleles (0.0054%); highest among the groups gnomAD compares: Admixed American, 0.032%; 1 homozygote.

Submissions (8):

CeGaT Center for Human Genetics Tuebingen
Classification: Likely benign. Last evaluated: 2026-01-01. Review status: criteria provided, single submitter. Criteria: CeGaT Center For Human Genetics Tuebingen Variant Classification Criteria Version 2. Collection method: clinical testing. Allele origin: germline. Affected: yes. Observed: 1 variant allele.
Comment: KCNQ1: BP4, BP7

Labcorp Genetics (formerly Invitae), Labcorp
Classification: Benign for Long QT syndrome. Last evaluated: 2025-07-30. Review status: criteria provided, single submitter. Criteria: Invitae Variant Classification Sherloc (09022015). Collection method: clinical testing. Allele origin: germline.

Mayo Clinic Laboratories, Mayo Clinic
Classification: Likely benign. Last evaluated: 2025-06-03. Review status: criteria provided, single submitter. Criteria: ACMG Guidelines, 2015. Collection method: clinical testing. Allele origin: germline. Observed: 1 variant allele.
Comment: BP4, BP7

All of Us Research Program, National Institutes of Health
Classification: Likely benign for Long QT syndrome. Last evaluated: 2023-12-13. Review status: criteria provided, single submitter. Criteria: ACMG Guidelines, 2015. Collection method: clinical testing. Allele origin: germline. Inheritance: Autosomal dominant inheritance. Observed: 13 variant alleles, 13 heterozygotes.
Comment: This study involves interpretation of variants in research participants for the purpose of population health screening. Participant phenotype was not available at the time of variant classification. Additional details can be found in publication PMID: 35346344, PMCID: PMC8962531

Ambry Genetics
Classification: Likely benign for Cardiovascular phenotype. Last evaluated: 2019-11-20. Review status: criteria provided, single submitter. Criteria: Ambry Variant Classification Scheme 2023. Collection method: clinical testing. Allele origin: germline.

GeneDx
Classification: Likely benign. Last evaluated: 2019-08-16. Review status: criteria provided, single submitter. Criteria: GeneDx Variant Classification Process June 2021. Collection method: clinical testing. Allele origin: germline. Affected: yes.

Color Diagnostics, LLC DBA Color Health
Classification: Likely benign for Arrhythmia. Last evaluated: 2019-08-14. Review status: criteria provided, single submitter. Criteria: ACMG Guidelines, 2015. Collection method: clinical testing. Allele origin: germline.

Laboratory for Molecular Medicine, Mass General Brigham Personalized Medicine
Classification: Likely benign. Last evaluated: 2016-08-04. Review status: criteria provided, single submitter. Criteria: LMM Criteria. Collection method: clinical testing. Allele origin: germline. Observed: 1 variant allele.
Comment: p.Ser225Ser in exon 04 of KCNQ1: This variant is not expected to have clinical s ignificance because it does not alter an amino acid residue, is not located with in the splice consensus sequence, and has been identified in 0.1% (13/11492) of Latino chromosomes including one homozygote by the Exome Aggregation Consortium (ExAC; dbSNP rs148566141).

Literature cited by the submitters: PubMed 25639344 (cited by Mayo Clinic Laboratories, Mayo Clinic).

NM_000218.3(KCNQ1):c.675G>A (p.Ser225=)

Gene: KCNQ1 (potassium voltage-gated channel subfamily Q member 1; plus strand). Cytogenetic location: 11p15.5.
Variant type: single nucleotide variant.
Coding change: c.675G>A on transcript NM_000218.3 (MANE Select); coding-DNA position 675, G replaced by A.
Protein change: p.Ser225=; no amino-acid change (serine 225 retained).
Molecular consequence: synonymous variant. On other transcripts: intron variant (1).
Genome position (GRCh38, 1-based): chr11:2,571,395, G>A. VCF-style: chr11-2571395-G-A. GRCh37 (hg19) VCF-style: chr11-2592625-G-A.
Other names: p.Ser225=; c.675G>A, p.Ser225= (NM_001406836.1); c.405G>A, p.Ser135= (NM_001406837.1); c.294G>A, p.Ser98= (NM_181798.2); c.478-12040G>A (NM_001406838.1).
Identifiers: ClinVar variation 504602 (VCV000504602.28), dbSNP rs148566141, ClinGen allele CA039500.
Genomic context (GRCh38, chr11:2,571,395, plus strand): 5'-GGTCGTGGCCTCCATGGTGGTCCTCTGCGTGGGCTCCAAGGGGCAGGTGTTTGCCACGTC[G>A]GCCATCAGGTGCGTCTGTGCCACAAGCTCCCCCCGCCATGCCGCCCCACCCCGAGCACCC-3'
Protein context (NP_000209.2, residues 215-235): VGSKGQVFAT[Ser225=]AIRGIRFLQI